The following is an entry in ClinVar:

NC_012920.1(MT-ND5):m.12743A>G (p.Asn136Ser)

Gene: MT-ND5 (mitochondrially encoded NADH dehydrogenase 5; plus strand).
Variant type: single nucleotide variant.
Genome position: chrM-12743-A-G.
Other names: short protein forms N136S.
Identifiers: ClinVar variation 693480 (VCV000693480.1), dbSNP rs1603223885, ClinGen allele CA414814648.

ClinVar aggregate classification (germline): Uncertain significance (1 of 4 stars; one submission).

Conditions:
Leigh syndrome (NULS). Also called: Leigh's necrotizing encephalopathy; Leigh's disease; Leigh Syndrome (mtDNA deletion); Leigh Disease; Subacute necrotizing encephalopathy; Necrotizing encephalopathy infantile subacute of Leigh. Identifiers: Orphanet 506, MedGen C2931891, MONDO:0009723, OMIM 256000.

Submission:

Wong Mito Lab, Molecular and Human Genetics, Baylor College of Medicine
Classification: Uncertain significance for Leigh syndrome. Last evaluated: 2019-10-17. Review status: criteria provided, single submitter. Criteria: Modified ACMG Guidelines (Unpublished). Collection method: clinical testing. Allele origin: germline.
Comment: The NC_012920.1:m.12743A>G (YP_003024036.1:p.Asn136Ser) variant in MTND5 gene is interpretated to be a Uncertain Significance variant based on the modified ACMG guidelines (unpublished). This variant meets the following evidence codes: PP7